The following is an entry in ClinVar:

NM_001371623.1(TCOF1):c.4295G>C (p.Gly1432Ala)

Gene: TCOF1 (treacle ribosome biogenesis factor 1; plus strand). Cytogenetic location: 5q32.
Variant type: single nucleotide variant.
Coding change: c.4295G>C on transcript NM_001371623.1 (MANE Select); coding-DNA position 4295, G replaced by C.
Protein change: p.Gly1432Ala; replaces glycine 1432 with alanine.
Molecular consequence: missense variant.
Genome position (GRCh38, 1-based): chr5:150,396,792, G>C. VCF-style: chr5-150396792-G-C. GRCh37 (hg19) VCF-style: chr5-149776355-G-C.
Other names: NM_000356.3(TCOF1):c.4061G>C(p.Gly1354Ala); NM_001135243.1(TCOF1):c.4292G>C(p.Gly1431Ala); NM_001135244.1(TCOF1):c.4181G>C(p.Gly1394Ala); NM_001135245.1(TCOF1):c.4064G>C(p.Gly1355Ala); NM_001195141.1(TCOF1):c.4178G>C(p.Gly1393Ala); c.4061G>C, p.Gly1354Ala (NM_000356.4); c.4292G>C, p.Gly1431Ala (NM_001135243.2); c.4181G>C, p.Gly1394Ala (NM_001135244.2); and 2 more; short protein forms G1354A, G1431A, G1393A, G1394A, G1355A, G1432A.
Identifiers: ClinVar variation 130575 (VCV000130575.20), dbSNP rs45491898, ClinGen allele CA155692.
Genomic context (GRCh38, chr5:150,396,792, plus strand): 5'-AAGGGGCCAAGGACGAGCCAGAAGAGGAGCTTCAGAAGGGGATGGGGACGGTTGAAGGTG[G>C]AGATCAAAGCAACCCAAAGAGCAAGAAGGAGAAGAAGAAATCCGACAAGAGTGAGTGACC-3'
Protein context (NP_001358552.1, residues 1422-1442): LQKGMGTVEG[Gly1432Ala]DQSNPKSKKE

ClinVar aggregate classification (germline): Benign. Review status: criteria provided, multiple submitters, no conflicts (2 of 4 stars). 7 submissions from 7 submitters: Benign (6). 1 of the submissions does not count toward it. Last evaluated 2026-01-28.

Conditions:
Treacher Collins syndrome 1 (TCS1). Also called: TCOF1-Related Treacher Collins Syndrome. Identifiers: Orphanet 861, MedGen CN315775, MONDO:0007944, OMIM 154500.

Allele frequency attached by ClinVar (database versions not stated): 1000 Genomes Project 30x 0.01062; 1000 Genomes Project 0.01078; ESP Exome Variant Server 0.01531; gnomAD 0.01744 and 0.01804; gnomAD exomes 0.01850 and 0.02181; TOPMed 0.01850; ExAC 0.02308.
gnomAD v4.1: 34,408 of 1,610,616 alleles (2.1%); highest among the groups gnomAD compares: Middle Eastern, 2.8%; 444 homozygotes.

Submissions (7):

Labcorp Genetics (formerly Invitae), Labcorp
Classification: Benign for Treacher Collins syndrome 1. Last evaluated: 2026-01-28. Review status: criteria provided, single submitter. Criteria: Invitae Variant Classification Sherloc (09022015). Collection method: clinical testing. Allele origin: germline.

Mayo Clinic Laboratories, Mayo Clinic
Classification: Benign. Last evaluated: 2021-03-30. Review status: criteria provided, single submitter. Criteria: ACMG Guidelines, 2015. Collection method: clinical testing. Allele origin: germline. Observed: 12 variant alleles.

Athena Diagnostics
Classification: Benign. Last evaluated: 2018-11-14. Review status: criteria provided, single submitter. Criteria: Athena Diagnostics Criteria. Collection method: clinical testing. Allele origin: germline.

SIB Swiss Institute of Bioinformatics
Classification: Benign. Last evaluated: 2018-05-31. Review status: criteria provided, single submitter. Criteria: ACMG Guidelines, 2015. Collection method: curation. Allele origin: unknown.
Comment: This variant is interpreted as a Benign - Stand Alone. The following ACMG Tag(s) were applied: BA1 => Allele frequency is >3% in Exome Aggregation Consortium (European non-Finnish population).

GeneDx
Classification: Benign. Last evaluated: 2015-03-03. Review status: criteria provided, single submitter. Criteria: GeneDx Variant Classification Process June 2021. Collection method: clinical testing. Allele origin: germline. Affected: yes.

PreventionGenetics, part of Exact Sciences
Classification: Benign. Review status: criteria provided, single submitter. Criteria: ACMG Guidelines, 2015. Collection method: clinical testing. Allele origin: germline.

Genetic Services Laboratory, University of Chicago
Classification: Likely benign for AllHighlyPenetrant. Review status: no assertion criteria provided. Collection method: clinical testing. Allele origin: germline. Inheritance: Autosomal dominant inheritance. Not counted in ClinVar's aggregate classification.
Comment: Likely benign based on allele frequency in 1000 Genomes Project or ESP global frequency and its presence in a patient with a rare or unrelated disease phenotype. NOT Sanger confirmed.

Literature cited by the submitters: PubMed 21951868 (cited by Athena Diagnostics).